The following is an entry in ClinVar:

NM_001170629.2(CHD8):c.5108C>G (p.Pro1703Arg)

Gene: CHD8 (chromodomain helicase DNA binding protein 8; minus strand). Cytogenetic location: 14q11.2.
Variant type: single nucleotide variant.
Coding change: c.5108C>G on transcript NM_001170629.2 (MANE Select); coding-DNA position 5108, C replaced by G.
Protein change: p.Pro1703Arg; replaces proline 1703 with arginine.
Molecular consequence: missense variant.
Genome position (GRCh38, 1-based): chr14:21,395,836, G>C on the plus strand (C>G on the coding strand, the complement: CHD8 is on the minus strand). VCF-style: chr14-21395836-G-C. GRCh37 (hg19) VCF-style: chr14-21863995-G-C.
Other names: c.4271C>G, p.Pro1424Arg (NM_020920.4); short protein forms P1424R, P1703R.
Identifiers: ClinVar variation 3778433 (VCV003778433.7).

ClinVar aggregate classification (germline): Uncertain significance (1 of 4 stars; one submission).

Submission:

CeGaT Center for Human Genetics Tuebingen
Classification: Uncertain significance. Last evaluated: 2025-03-01. Review status: criteria provided, single submitter. Criteria: CeGaT Center For Human Genetics Tuebingen Variant Classification Criteria Version 2. Collection method: clinical testing. Allele origin: germline. Affected: yes. Observed: 1 variant allele.
Comment: CHD8: PM2, BP4